The following is an entry in ClinVar:

NM_014283.5(SUCO):c.432C>G (p.Ile144Met)

Gene: SUCO (SUN domain containing ossification factor; plus strand). Cytogenetic location: 1q24.3.
Variant type: single nucleotide variant.
Coding change: c.432C>G on transcript NM_014283.5 (MANE Select); coding-DNA position 432, C replaced by G.
Protein change: p.Ile144Met; replaces isoleucine 144 with methionine.
Molecular consequence: missense variant. On other transcripts: 5 prime UTR variant (1).
Genome position (GRCh38, 1-based): chr1:172,556,012, C>G. VCF-style: chr1-172556012-C-G. GRCh37 (hg19) VCF-style: chr1-172525152-C-G.
Other names: c.321C>G, p.Ile107Met (NM_001282750.2); c.-1098C>G (NM_001282751.2); c.906C>G, p.Ile302Met (NM_016227.4); short protein forms I107M, I144M, I302M.
Identifiers: ClinVar variation 2854497 (VCV002854497.3), dbSNP rs991709773, ClinGen allele CA32735880.

ClinVar aggregate classification (germline): Uncertain significance (1 of 4 stars; one submission).

Allele frequency attached by ClinVar (database versions not stated): gnomAD 0.00001; TOPMed 0.00002.
gnomAD v4.1: 24 of 1,610,534 alleles (0.0015%); highest among the groups gnomAD compares: African/African-American, 0.0027%; no homozygotes.

Submission:

Labcorp Genetics (formerly Invitae), Labcorp
Classification: Uncertain significance. Last evaluated: 2023-06-15. Review status: criteria provided, single submitter. Criteria: Invitae Variant Classification Sherloc (09022015). Collection method: clinical testing. Allele origin: germline.
Comment: In summary, the available evidence is currently insufficient to determine the role of this variant in disease. Therefore, it has been classified as a Variant of Uncertain Significance. An algorithm developed to predict the effect of missense changes on protein structure and function (PolyPhen-2) suggests that this variant is likely to be tolerated. This variant has not been reported in the literature in individuals affected with SUCO-related conditions. This variant is present in population databases (no rsID available, gnomAD 0.007%). This sequence change replaces isoleucine, which is neutral and non-polar, with methionine, which is neutral and non-polar, at codon 144 of the SUCO protein (p.Ile144Met).